The following is an entry in ClinVar:

ClinVar aggregate classification (germline): Pathogenic. Review status: criteria provided, single submitter (1 of 4 stars). 2 submissions from 2 submitters: Pathogenic (1). 1 of the submissions does not count toward it. Last evaluated 2022-12-13.

Conditions:
Focal dermal hypoplasia (FDH). Also called: Goltz syndrome. Identifiers: Orphanet 2092, MedGen C0016395, MONDO:0010592, OMIM 305600.

Submissions (2):

GeneDx
Classification: Pathogenic. Last evaluated: 2022-12-13. Review status: criteria provided, single submitter. Criteria: GeneDx Variant Classification Process June 2021. Collection method: clinical testing. Allele origin: germline. Affected: yes.
Comment: Nonsense variant predicted to result in protein truncation or nonsense mediated decay in a gene for which loss of function is a known mechanism of disease; Not observed at significant frequency in large population cohorts (gnomAD); This variant is associated with the following publications: (PMID: 25525159, 17546031)

OMIM
Classification: Pathogenic for FOCAL DERMAL HYPOPLASIA. Last evaluated: 2007-07-01. Review status: no assertion criteria provided. Collection method: literature only. Allele origin: germline. Not counted in ClinVar's aggregate classification.

Literature cited by the submitters: PubMed 17546031 (cited by OMIM).

NM_203475.3(PORCN):c.222G>A (p.Trp74Ter)

Gene: PORCN (porcupine O-acyltransferase; plus strand). Cytogenetic location: Xp11.23.
Variant type: single nucleotide variant.
Coding change: c.222G>A on transcript NM_203475.3 (MANE Select); coding-DNA position 222, G replaced by A.
Protein change: p.Trp74Ter; replaces tryptophan 74 with a stop codon.
Molecular consequence: nonsense.
Genome position (GRCh38, 1-based): chrX:48,511,380, G>A. VCF-style: chrX-48511380-G-A. GRCh37 (hg19) VCF-style: chrX-48369768-G-A.
Other names: c.9G>A, p.Trp3Ter (NM_001282167.2); c.222G>A, p.Trp74Ter (NM_022825.4, NM_203473.3, NM_203474.1); c.222G>A (NM_203475.1); short protein forms W74*, W3*.
Identifiers: ClinVar variation 10703 (VCV000010703.2), dbSNP rs137852219, ClinGen allele CA255495.